The following is an entry in ClinVar:

ClinVar aggregate classification (germline): Uncertain significance (0 of 4 stars; one submission).

Conditions:
SEMA3F-related disorder. Also called: SEMA3F-related condition.

gnomAD v4.1: 6 of 1,603,870 alleles (0.00037%); highest among the groups gnomAD compares: African/African-American, 0.0013%; no homozygotes.

Submission:

PreventionGenetics, part of Exact Sciences
Classification: Uncertain significance for SEMA3F-related condition. Last evaluated: 2024-07-01. Review status: no assertion criteria provided. Collection method: clinical testing. Allele origin: germline.
Comment: The SEMA3F c.1928C>T variant is predicted to result in the amino acid substitution p.Pro643Leu. To our knowledge, this variant has not been reported in the literature or in a large population database, indicating this variant is rare. At this time, the clinical significance of this variant is uncertain due to the absence of conclusive functional and genetic evidence.

NM_004186.5(SEMA3F):c.1928C>T (p.Pro643Leu)

Gene: SEMA3F (semaphorin 3F; plus strand). Cytogenetic location: 3p21.31.
Variant type: single nucleotide variant.
Coding change: c.1928C>T on transcript NM_004186.5 (MANE Select); coding-DNA position 1928, C replaced by T.
Protein change: p.Pro643Leu; replaces proline 643 with leucine.
Molecular consequence: missense variant.
Genome position (GRCh38, 1-based): chr3:50,186,727, C>T. VCF-style: chr3-50186727-C-T. GRCh37 (hg19) VCF-style: chr3-50224160-C-T.
Other names: c.1631C>T, p.Pro544Leu (NM_001318798.2); c.1835C>T, p.Pro612Leu (NM_001318800.2); short protein forms P544L, P612L, P643L.
Identifiers: ClinVar variation 3355879 (VCV003355879.1).
Genomic context (GRCh38, chr3:50,186,727, plus strand): 5'-TCCTTGAGTGCCAGCCCCGCTCGCCCCAAGCCACTGTTAAGTGGCTGTTCCAGCGAGATC[C>T]TGGTGACCGGCGCCGAGAGGTGAGTTCCTGCGCCCGGTGCTGCACCGTGGATGTGAGTCC-3'
Protein context (NP_004177.3, residues 633-653): ATVKWLFQRD[Pro643Leu]GDRRREIRAE